The following is an entry in ClinVar:

NM_004369.4(COL6A3):c.4577A>G (p.Asn1526Ser)

Gene: COL6A3 (collagen type VI alpha 3 chain; minus strand). Cytogenetic location: 2q37.3.
Variant type: single nucleotide variant.
Coding change: c.4577A>G on transcript NM_004369.4 (MANE Select); coding-DNA position 4577, A replaced by G.
Protein change: p.Asn1526Ser; replaces asparagine 1526 with serine.
Molecular consequence: missense variant.
Genome position (GRCh38, 1-based): chr2:237,368,886, T>C on the plus strand (A>G on the coding strand, the complement: COL6A3 is on the minus strand). VCF-style: chr2-237368886-T-C. GRCh37 (hg19) VCF-style: chr2-238277529-T-C.
Other names: c.2756A>G, p.Asn919Ser (NM_057166.5); c.3959A>G, p.Asn1320Ser (NM_057167.4); short protein forms N919S, N1320S, N1526S.
Identifiers: ClinVar variation 2741799 (VCV002741799.3), dbSNP rs746263789, ClinGen allele CA351192941.

ClinVar aggregate classification (germline): Uncertain significance (1 of 4 stars; one submission).

Conditions:
Bethlem myopathy 1A. Also called: Bethlem myopathy 1; Bethlem Muscular Dystrophy; MYOPATHY, BENIGN CONGENITAL, WITH CONTRACTURES. Identifiers: Orphanet 610, MedGen CN029274, MONDO:0024530, OMIM 158810.

gnomAD v4.1: 4 of 1,614,158 alleles (0.00025%); highest among the groups gnomAD compares: Non-Finnish European, 0.00025%; no homozygotes.

Submission:

Labcorp Genetics (formerly Invitae), Labcorp
Classification: Uncertain significance for Bethlem myopathy 1A. Last evaluated: 2023-12-22. Review status: criteria provided, single submitter. Criteria: Invitae Variant Classification Sherloc (09022015). Collection method: clinical testing. Allele origin: germline.
Comment: This sequence change replaces asparagine, which is neutral and polar, with serine, which is neutral and polar, at codon 1526 of the COL6A3 protein (p.Asn1526Ser). This variant is not present in population databases (gnomAD no frequency). This variant has not been reported in the literature in individuals affected with COL6A3-related conditions. Advanced modeling of protein sequence and biophysical properties (such as structural, functional, and spatial information, amino acid conservation, physicochemical variation, residue mobility, and thermodynamic stability) performed at Invitae indicates that this missense variant is expected to disrupt COL6A3 protein function with a positive predictive value of 80%. In summary, the available evidence is currently insufficient to determine the role of this variant in disease. Therefore, it has been classified as a Variant of Uncertain Significance.